The following is an entry in ClinVar:

ClinVar aggregate classification (germline): Uncertain significance (1 of 4 stars; one submission).
ClinVar aggregate classification (somatic clinical impact): Tier I - Strong (1 of 4 stars; one submission).

Conditions:
Hereditary cancer-predisposing syndrome. Also called: Tumor predisposition; Neoplastic Syndromes, Hereditary; Hereditary Cancer Syndrome; Hereditary neoplastic syndrome. Identifiers: Orphanet 140162, MedGen C0027672, MeSH D009386, MONDO:0015356.
Embryonal rhabdomyosarcoma (ERMS). Also called: Botryoid rhabdomyosarcoma (type of ERMS); Spindle cell rhabdomyosarcomas (type of ERMS). Identifiers: Orphanet 99757, MedGen C0206656, MONDO:0009993, HP:0006743.

Submissions (2):

Ambry Genetics
Classification: Uncertain significance for Hereditary cancer-predisposing syndrome. Last evaluated: 2026-02-13. Review status: criteria provided, single submitter. Criteria: Ambry Variant Classification Scheme 2023. Collection method: clinical testing. Allele origin: germline.
Comment: The c.151-3C>A intronic variant results from a C to A substitution 3 nucleotides upstream from coding exon 2 in the CDKN2A gene. This nucleotide position is well conserved in available vertebrate species. In silico splice site analysis predicts that this alteration will not have any significant effect on splicing. Based on the available evidence, the clinical significance of this variant remains unclear.

Institute for Genomic Medicine (IGM) Clinical Laboratory, Nationwide Children's Hospital
Classification: Tier I - Strong for Embryonal rhabdomyosarcoma. Assertion type: diagnostic. Clinical significance: supports diagnosis. Last evaluated: 2024-12-17. Review status: criteria provided, single submitter. Criteria: AMP/ASCO/CAP Guidelines, 2017. Collection method: clinical testing. Allele origin: somatic. Affected: yes.
Comment: Variant has Tier I (strong) clinical significance as a diagnostic inclusion criterion in embryonal rhabdomyosarcoma, based on the following evidence: 1) Documented in one or more cancer databases (e.g., St. Jude Pecan, COSMIC, CIViC, OncoKB). 2) Diagnostic for a specific tumor type/classification based on well-powered studies with expert-level consensus (Evidence Level B; PMIDs: 34166060, 24436047, 26138366, 21412928, 8703847).

Literature cited by the submitters: PubMed 34166060 (cited by Institute for Genomic Medicine (IGM) Clinical Laboratory, Nationwide Children's Hospital); PubMed 24436047 (cited by Institute for Genomic Medicine (IGM) Clinical Laboratory, Nationwide Children's Hospital); PubMed 26138366 (cited by Institute for Genomic Medicine (IGM) Clinical Laboratory, Nationwide Children's Hospital); PubMed 21412928 (cited by Institute for Genomic Medicine (IGM) Clinical Laboratory, Nationwide Children's Hospital); PubMed 8703847 (cited by Institute for Genomic Medicine (IGM) Clinical Laboratory, Nationwide Children's Hospital).

NM_000077.5(CDKN2A):c.151-3C>A

Gene: CDKN2A (cyclin dependent kinase inhibitor 2A; minus strand). Cytogenetic location: 9p21.3.
Variant type: single nucleotide variant.
Coding change: c.151-3C>A on transcript NM_000077.5 (MANE Select); 3 bases into the intron before coding-DNA position 151, C replaced by A.
Molecular consequence: intron variant.
Genome position (GRCh38, 1-based): chr9:21,971,211, G>T on the plus strand (C>A on the coding strand, the complement: CDKN2A is on the minus strand). VCF-style: chr9-21971211-G-T. GRCh37 (hg19) VCF-style: chr9-21971210-G-T.
Other names: c.-3-3C>A (NM_001363763.2); c.194-3C>A (NM_058195.4); c.151-3C>A (NM_001195132.2); c.*74-3C>A (NM_058197.5).
Identifiers: ClinVar variation 819431 (VCV000819431.6), dbSNP rs1587332642, ClinGen allele CA915947483.